The following is an entry in ClinVar:

ClinVar aggregate classification (germline): Uncertain significance (1 of 4 stars; one submission).

Conditions:
Generalized epilepsy-paroxysmal dyskinesia syndrome (PNKD3). Also called: Generalized epilepsy and paroxysmal dyskinesia; Paroxysmal nonkinesigenic dyskinesia, 3, with or without generalized epilepsy. Identifiers: Orphanet 79137, MedGen C5574945, MONDO:0012276, OMIM 609446.

Allele frequency attached by ClinVar (database versions not stated): gnomAD exomes below 0.00001.
gnomAD v4.1: 3 of 1,612,442 alleles (0.00019%); highest among the groups gnomAD compares: Non-Finnish European, 0.00017%; no homozygotes.

Submission:

Labcorp Genetics (formerly Invitae), Labcorp
Classification: Uncertain significance for Generalized epilepsy-paroxysmal dyskinesia syndrome. Last evaluated: 2020-08-07. Review status: criteria provided, single submitter. Criteria: Invitae Variant Classification Sherloc (09022015). Collection method: clinical testing. Allele origin: germline.
Comment: This sequence change replaces serine with alanine at codon 598 of the KCNMA1 protein (p.Ser598Ala). The serine residue is moderately conserved and there is a moderate physicochemical difference between serine and alanine. This variant is not present in population databases (ExAC no frequency). This variant has been observed in individual(s) with clinical features of autosomal dominant KCNMA1-related conditions (Invitae). Algorithms developed to predict the effect of missense changes on protein structure and function (SIFT, PolyPhen-2, Align-GVGD) all suggest that this variant is likely to be tolerated, but these predictions have not been confirmed by published functional studies and their clinical significance is uncertain. In summary, the available evidence is currently insufficient to determine the role of this variant in disease. Therefore, it has been classified as a Variant of Uncertain Significance.

NM_001161352.2(KCNMA1):c.1792T>G (p.Ser598Ala)

Gene: KCNMA1 (potassium calcium-activated channel subfamily M alpha 1; minus strand). Cytogenetic location: 10q22.3.
Variant type: single nucleotide variant.
Coding change: c.1792T>G on transcript NM_001161352.2 (MANE Select); coding-DNA position 1792, T replaced by G.
Protein change: p.Ser598Ala; replaces serine 598 with alanine.
Molecular consequence: missense variant.
Genome position (GRCh38, 1-based): chr10:77,039,595, A>C on the plus strand (T>G on the coding strand, the complement: KCNMA1 is on the minus strand). VCF-style: chr10-77039595-A-C. GRCh37 (hg19) VCF-style: chr10-78799353-A-C.
Other names: c.1792T>G, p.Ser598Ala (NM_001014797.3, NM_001161353.2, NM_001271519.2 and 7 more transcripts); c.1630T>G, p.Ser544Ala (NM_001271518.2); c.1252T>G, p.Ser418Ala (NM_001322838.2); short protein forms S418A, S544A, S598A.
Identifiers: ClinVar variation 1006990 (VCV001006990.9), dbSNP rs2094532158, ClinGen allele CA377410135.